The following is an entry in ClinVar:

NM_003072.5(SMARCA4):c.667C>T (p.Pro223Ser)

Gene: SMARCA4 (SWI/SNF related BAF chromatin remodeling complex subunit ATPase 4; plus strand). Cytogenetic location: 19p13.2.
Variant type: single nucleotide variant.
Coding change: c.667C>T on transcript NM_003072.5 (MANE Select); coding-DNA position 667, C replaced by T.
Protein change: p.Pro223Ser; replaces proline 223 with serine.
Molecular consequence: missense variant. On other transcripts: non-coding transcript variant (1).
Genome position (GRCh38, 1-based): chr19:10,986,500, C>T. VCF-style: chr19-10986500-C-T. GRCh37 (hg19) VCF-style: chr19-11097176-C-T.
Other names: c.667C>T, p.Pro223Ser (NM_001128844.3, NM_001128845.2, NM_001128846.2 and 6 more transcripts); short protein forms P223S.
Identifiers: ClinVar variation 1754844 (VCV001754844.7), dbSNP rs2086046540, ClinGen allele CA404056889.

ClinVar aggregate classification (germline): Uncertain significance. Review status: criteria provided, multiple submitters, no conflicts (2 of 4 stars). 4 submissions from 4 submitters: Uncertain significance (4). Last evaluated 2024-09-12.

Conditions:
Hereditary cancer-predisposing syndrome. Also called: Neoplastic Syndromes, Hereditary; Tumor predisposition; Hereditary Cancer Syndrome; Hereditary neoplastic syndrome. Identifiers: Orphanet 140162, MedGen C0027672, MeSH D009386, MONDO:0015356.
Rhabdoid tumor predisposition syndrome 2 (RTPS2). Identifiers: Orphanet 231108, Orphanet 69077, MedGen C2750074, MONDO:0013224, OMIM 613325.

Allele frequency attached by ClinVar (database versions not stated): gnomAD exomes below 0.00001.
gnomAD v4.1: 2 of 1,547,090 alleles (0.00013%); highest among the groups gnomAD compares: East Asian, 0.0024%; no homozygotes.

Submissions (4):

Labcorp Genetics (formerly Invitae), Labcorp
Classification: Uncertain significance for Rhabdoid tumor predisposition syndrome 2. Last evaluated: 2024-09-12. Review status: criteria provided, single submitter. Criteria: Invitae Variant Classification Sherloc (09022015). Collection method: clinical testing. Allele origin: germline.
Comment: This sequence change replaces proline, which is neutral and non-polar, with serine, which is neutral and polar, at codon 223 of the SMARCA4 protein (p.Pro223Ser). This variant is not present in population databases (gnomAD no frequency). This variant has not been reported in the literature in individuals affected with SMARCA4-related conditions. ClinVar contains an entry for this variant (Variation ID: 1754844). Invitae Evidence Modeling of protein sequence and biophysical properties (such as structural, functional, and spatial information, amino acid conservation, physicochemical variation, residue mobility, and thermodynamic stability) indicates that this missense variant is not expected to disrupt SMARCA4 protein function with a negative predictive value of 95%. In summary, the available evidence is currently insufficient to determine the role of this variant in disease. Therefore, it has been classified as a Variant of Uncertain Significance.

Quest Diagnostics Nichols Institute San Juan Capistrano
Classification: Uncertain significance. Last evaluated: 2024-05-08. Review status: criteria provided, single submitter. Criteria: Quest Diagnostics criteria. Collection method: clinical testing. Allele origin: unknown.
Comment: The SMARCA4 c.667C>T (p.Pro223Ser) variant has not been reported in individuals with SMARCA4-related conditions in the published literature. It also has not been reported in large, multi-ethnic general populations (Genome Aggregation Database). Analysis of this variant using bioinformatics tools for the prediction of the effect of amino acid changes on protein structure and function yielded predictions that this variant is benign. Based on the available information, we are unable to determine the clinical significance of this variant.

Baylor Genetics
Classification: Uncertain significance for Rhabdoid tumor predisposition syndrome 2. Last evaluated: 2024-02-12. Review status: criteria provided, single submitter. Criteria: ACMG Guidelines, 2015. Collection method: clinical testing. Allele origin: unknown.

Ambry Genetics
Classification: Uncertain significance for Hereditary cancer-predisposing syndrome. Last evaluated: 2023-09-27. Review status: criteria provided, single submitter. Criteria: Ambry Variant Classification Scheme 2023. Collection method: clinical testing. Allele origin: germline.
Comment: The p.P223S variant (also known as c.667C>T), located in coding exon 3 of the SMARCA4 gene, results from a C to T substitution at nucleotide position 667. The proline at codon 223 is replaced by serine, an amino acid with similar properties. This amino acid position is highly conserved in available vertebrate species. In addition, this alteration is predicted to be tolerated by in silico analysis. Missense and in-frame variants in SMARCA4 are known to cause neurodevelopmental disorders; however, such associations with rhabdoid tumor predisposition syndrome including small cell carcinoma of the ovary-hypercalcemic type (SCCOHT) are exceedingly rare (Kosho T et al. Am J Med Genet C Semin Med Genet. 2014 Sep;166C(3):262-75; Jelinic P et al. Nat Genet. 2014 May;46(5):424-6). Based on the supporting evidence, the association of this alteration with Coffin-Siris syndrome is unknown; however, the association of this alteration with rhabdoid tumor predisposition syndrome is unlikely.